The following is an entry in ClinVar:

NM_001672.3(ASIP):c.214T>C (p.Ser72Pro)

Genes: ASIP (agouti signaling protein; plus strand), AHCY (adenosylhomocysteinase; minus strand). Cytogenetic location: 20q11.22.
Variant type: single nucleotide variant.
Coding change: c.214T>C on transcript NM_001672.3 (MANE Select); coding-DNA position 214, T replaced by C.
Protein change: p.Ser72Pro; replaces serine 72 with proline.
Molecular consequence: missense variant.
Genome position (GRCh38, 1-based): chr20:34,262,885, T>C. VCF-style: chr20-34262885-T-C. GRCh37 (hg19) VCF-style: chr20-32850691-T-C.
Other names: c.214T>C, p.Ser72Pro (NM_001385218.1); short protein forms S72P.
Identifiers: ClinVar variation 3351464 (VCV003351464.2).
Genomic context (GRCh38, chr20:34,262,885, plus strand): 5'-TTTGAAGCGCTGAACAAGAAATCCAAACAGATCGGCAGAAAAGCAGCAGAAAAGAAAAGA[T>C]CTTCTAAGGTAAGGGCAGGGAAGTTCTGGGAGTTCTCATTGTTGGGGTGAGACTGGACTT-3'
Protein context (NP_001663.2, residues 62-82): IGRKAAEKKR[Ser72Pro]SKKEASMKKV

ClinVar aggregate classification (germline): Uncertain significance. Review status: criteria provided, single submitter (1 of 4 stars). 2 submissions from 2 submitters: Uncertain significance (1). 1 of the submissions does not count toward it. Last evaluated 2025-01-09.

Conditions:
ASIP-related condition.

gnomAD v4.1: 6 of 1,613,994 alleles (0.00037%); highest among the groups gnomAD compares: Admixed American, 0.0083%; no homozygotes.

Submissions (2):

Ambry Genetics
Classification: Uncertain significance. Last evaluated: 2025-01-09. Review status: criteria provided, single submitter. Criteria: Ambry Variant Classification Scheme 2023. Collection method: clinical testing. Allele origin: germline.

PreventionGenetics, part of Exact Sciences
Classification: Uncertain significance for ASIP-related condition. Last evaluated: 2024-09-06. Review status: no assertion criteria provided. Collection method: clinical testing. Allele origin: germline. Not counted in ClinVar's aggregate classification.
Comment: The ASIP c.214T>C variant is predicted to result in the amino acid substitution p.Ser72Pro. To our knowledge, this variant has not been reported in the literature. This variant is reported in 0.0087% of alleles in individuals of Latino descent in gnomAD. At this time, the clinical significance of this variant is uncertain due to the absence of conclusive functional and genetic evidence.